The following is an entry in ClinVar:

NM_006254.4(PRKCD):c.1196G>C (p.Arg399Pro)

Gene: PRKCD (protein kinase C delta; plus strand). Cytogenetic location: 3p21.1.
Variant type: single nucleotide variant.
Coding change: c.1196G>C on transcript NM_006254.4 (MANE Select); coding-DNA position 1196, G replaced by C.
Protein change: p.Arg399Pro; replaces arginine 399 with proline.
Molecular consequence: missense variant.
Genome position (GRCh38, 1-based): chr3:53,186,276, G>C. VCF-style: chr3-53186276-G-C. GRCh37 (hg19) VCF-style: chr3-53220292-G-C.
Other names: c.1196G>C, p.Arg399Pro (NM_001316327.2, NM_001354679.2, NM_001354680.2 and 1 more transcripts); c.1253G>C, p.Arg418Pro (NM_001354676.2); c.1244G>C, p.Arg415Pro (NM_001354678.2); short protein forms R418P, R415P, R399P.
Identifiers: ClinVar variation 2101819 (VCV002101819.4), dbSNP rs781872957, ClinGen allele CA353221902.
Genomic context (GRCh38, chr3:53,186,276, plus strand): 5'-CCCTCAAGAAGGATGTGGTCCTGATCGACGACGACGTGGAGTGCACCATGGTTGAGAAGC[G>C]GGTGCTGACACTTGCCGCAGAGAATCCCTTTCTCACCCACCTCATCTGCACCTTCCAGAC-3'
Protein context (NP_006245.2, residues 389-409): DDVECTMVEK[Arg399Pro]VLTLAAENPF

ClinVar aggregate classification (germline): Uncertain significance (1 of 4 stars; one submission).

Conditions:
Autoimmune lymphoproliferative syndrome, type III caused by mutation in PRKCD. Identifiers: Orphanet 3261, Orphanet 664711, MedGen C3809928, MONDO:8000024, OMIM 615559.

Submission:

Labcorp Genetics (formerly Invitae), Labcorp
Classification: Uncertain significance for Autoimmune lymphoproliferative syndrome, type III caused by mutation in PRKCD. Last evaluated: 2022-02-22. Review status: criteria provided, single submitter. Criteria: Invitae Variant Classification Sherloc (09022015). Collection method: clinical testing. Allele origin: germline.
Comment: In summary, the available evidence is currently insufficient to determine the role of this variant in disease. Therefore, it has been classified as a Variant of Uncertain Significance. This sequence change replaces arginine, which is basic and polar, with proline, which is neutral and non-polar, at codon 399 of the PRKCD protein (p.Arg399Pro). This variant is not present in population databases (gnomAD no frequency). This variant has not been reported in the literature in individuals affected with PRKCD-related conditions. Algorithms developed to predict the effect of missense changes on protein structure and function (SIFT, PolyPhen-2, Align-GVGD) all suggest that this variant is likely to be disruptive.